The following is an entry in ClinVar:

ClinVar aggregate classification (germline): Uncertain significance (1 of 4 stars; one submission).

Submission:

Women's Health and Genetics/Laboratory Corporation of America, LabCorp
Classification: Uncertain significance. Last evaluated: 2020-10-16. Review status: criteria provided, single submitter. Criteria: LabCorp Variant Classification Summary - May 2015. Collection method: clinical testing. Allele origin: germline.
Comment: Variant summary: GAL3ST4 c.97C>T (p.Gln33X) results in a premature termination codon, predicted to cause a truncation of the encoded protein or absence of the protein due to nonsense mediated decay. The variant was absent in 200504 control chromosomes (gnomAD). The available data on variant occurrences in the general population are insufficient to allow any conclusion about variant significance. To our knowledge, no occurrence of c.97C>T in individuals affected with GAL3ST4-Related Disorders and no experimental evidence demonstrating its impact on protein function have been reported. Evidence currently available do not allow for definitive conclusions whether loss-of-function variants in GAL3ST4 gene cause disease. No clinical diagnostic laboratories have submitted clinical-significance assessments for this variant to ClinVar after 2014. Based on the evidence outlined above, the variant was classified as uncertain significance.

NM_024637.5(GAL3ST4):c.97C>T (p.Gln33Ter)

Gene: GAL3ST4 (galactose-3-O-sulfotransferase 4; minus strand). Cytogenetic location: 7q22.1.
Variant type: single nucleotide variant.
Coding change: c.97C>T on transcript NM_024637.5 (MANE Select); coding-DNA position 97, C replaced by T.
Protein change: p.Gln33Ter; replaces glutamine 33 with a stop codon.
Molecular consequence: nonsense.
Genome position (GRCh38, 1-based): chr7:100,166,999, G>A on the plus strand (C>T on the coding strand, the complement: GAL3ST4 is on the minus strand). VCF-style: chr7-100166999-G-A. GRCh37 (hg19) VCF-style: chr7-99764622-G-A.
Other names: short protein forms Q33*.
Identifiers: ClinVar variation 984513 (VCV000984513.1), dbSNP rs1799085397, ClinGen allele CA368462488.